The following is an entry in ClinVar:

ClinVar aggregate classification (germline): Conflicting classifications of pathogenicity. Review status: criteria provided, conflicting classifications (1 of 4 stars). 4 submissions from 4 submitters: Uncertain significance (1); Likely benign (3). Last evaluated 2026-01-26.

Conditions:
Cone-rod dystrophy 15 (CORD15). Identifiers: MedGen C3150912, MONDO:0013348, OMIM 613660.
CDHR1-related disorder. Also called: CDHR1-related condition.

Allele frequency attached by ClinVar (database versions not stated): gnomAD exomes 0.00022 and 0.00041; ExAC 0.00040; 1000 Genomes Project 30x 0.00047; 1000 Genomes Project 0.00060; ESP Exome Variant Server 0.00092; gnomAD 0.00097 and 0.00107; TOPMed 0.00122.
gnomAD v4.1: 491 of 1,610,444 alleles (0.03%); highest among the groups gnomAD compares: Middle Eastern, 0.43%; 1 homozygote.

Submissions (4):

Labcorp Genetics (formerly Invitae), Labcorp
Classification: Likely benign. Last evaluated: 2026-01-26. Review status: criteria provided, single submitter. Criteria: Invitae Variant Classification Sherloc (09022015). Collection method: clinical testing. Allele origin: germline.

PreventionGenetics, part of Exact Sciences
Classification: Likely benign for CDHR1-related condition. Last evaluated: 2025-12-31. Review status: criteria provided, single submitter. Criteria: ACMG Guidelines, 2015. Collection method: clinical testing. Allele origin: germline.
Comment: This variant is classified as likely benign based on ACMG/AMP sequence variant interpretation guidelines (Richards et al. 2015 PMID: 25741868, with internal and published modifications).

Blueprint Genetics
Classification: Likely benign. Last evaluated: 2024-11-25. Review status: criteria provided, single submitter. Criteria: ACMG Guidelines, 2015. Collection method: clinical testing. Allele origin: germline.

Illumina Laboratory Services, Illumina
Classification: Uncertain significance for Cone-rod dystrophy 15. Last evaluated: 2018-01-13. Review status: criteria provided, single submitter. Criteria: ICSL Variant Classification Criteria 13 December 2019. Collection method: clinical testing. Allele origin: germline.

NM_033100.4(CDHR1):c.547G>A (p.Val183Met)

Gene: CDHR1 (cadherin related family member 1; plus strand). Cytogenetic location: 10q23.1.
Variant type: single nucleotide variant.
Coding change: c.547G>A on transcript NM_033100.4 (MANE Select); coding-DNA position 547, G replaced by A.
Protein change: p.Val183Met; replaces valine 183 with methionine.
Molecular consequence: missense variant.
Genome position (GRCh38, 1-based): chr10:84,201,828, G>A. VCF-style: chr10-84201828-G-A. GRCh37 (hg19) VCF-style: chr10-85961584-G-A.
Other names: c.547G>A, p.Val183Met (NM_001171971.3); short protein forms V183M.
Identifiers: ClinVar variation 301219 (VCV000301219.16), dbSNP rs142109115, ClinGen allele CA5579584.